The following is an entry in ClinVar:

NM_005236.3(ERCC4):c.307_308del (p.Gln103fs)

Gene: ERCC4 (ERCC excision repair 4, endonuclease catalytic subunit; plus strand). Cytogenetic location: 16p13.12.
Variant type: Microsatellite.
Coding change: c.307_308del on transcript NM_005236.3 (MANE Select); coding-DNA positions 307 to 308, 2 bases deleted (CA; older notation c.307_308delCA).
Protein change: p.Gln103fs; shifts the reading frame from glutamine 103.
Molecular consequence: frameshift variant.
Genome position (GRCh38, 1-based): chr16:13,922,130-13,922,131, CA deleted; deleting any 2 consecutive bases within chr16:13,922,125-13,922,131 gives the same sequence; the c. name uses the placement nearest the transcript's 3' end. VCF-style (leftmost placement, unchanged base first): chr16-13922124-TAC-T. GRCh37 (hg19) VCF-style: chr16-14015981-TAC-T.
Other names: short protein forms Q103fs.
Identifiers: ClinVar variation 4879593 (VCV004879593.1).
Genomic context (GRCh38, chr16:13,922,124, plus strand): 5'-GTTGAACACCTCCCTCGCCGTGTAACAAATGAAATCACAAGCAACAGTCGCTATGAAGTT[TAC>T]ACACAAGGTGGTGTTATATTTGCGACAAGTAGGATACTTGTGGTTGACTTCTTGACTGAT-3'

ClinVar aggregate classification (germline): Pathogenic (1 of 4 stars; one submission).

Conditions:
Fanconi anemia complementation group Q. Identifiers: Orphanet 84, MedGen C3808988, MONDO:0014108, OMIM 615272.

Submission:

Victorian Clinical Genetics Services, Murdoch Childrens Research Institute
Classification: Pathogenic for Fanconi anemia complementation group Q. Last evaluated: 2026-05-29. Review status: criteria provided, single submitter. Criteria: ACMG Guidelines, 2015. Collection method: clinical testing. Allele origin: germline. Affected: yes.
Comment: This variant is classified as Pathogenic. Evidence in support of pathogenic classification: Variant is predicted to cause nonsense-mediated decay (NMD) and loss of protein (premature termination codon is located at least 54 nucleotides upstream of the final exon-exon junction); Variant is absent from gnomAD (v2, v3 and v4); Other NMD-predicted variants comparable to the one identified in this case have very strong previous evidence for pathogenicity. Many NMD-predicted variants in this gene have been reported as likely pathogenic/pathogenic (ClinVar). Additional information: This variant is heterozygous; This gene is associated with autosomal recessive disease; This variant has no previous evidence of pathogenicity; No published segregation evidence has been identified for this variant; No published functional evidence has been identified for this variant; Loss of function is a known mechanism of disease in this gene and is associated with ERCC4-related disease; Heterozygous variant detected in trans with a second PATHOGENIC heterozygous variant (NM_005236.3(ERCC4):c.706T>C; p.(Cys236Arg)) in a recessive disease.